The following is an entry in ClinVar:

NM_001134831.2(AHI1):c.1357T>A (p.Leu453Ile)

Gene: AHI1 (Abelson helper integration site 1; minus strand). Cytogenetic location: 6q23.3.
Variant type: single nucleotide variant.
Coding change: c.1357T>A on transcript NM_001134831.2 (MANE Select); coding-DNA position 1357, T replaced by A.
Protein change: p.Leu453Ile; replaces leucine 453 with isoleucine.
Molecular consequence: missense variant.
Genome position (GRCh38, 1-based): chr6:135,453,424, A>T on the plus strand (T>A on the coding strand, the complement: AHI1 is on the minus strand). VCF-style: chr6-135453424-A-T. GRCh37 (hg19) VCF-style: chr6-135774562-A-T.
Other names: c.1357T>A, p.Leu453Ile (NM_001134830.2, NM_001134832.2, NM_001350503.2 and 2 more transcripts); short protein forms L453I.
Identifiers: ClinVar variation 1927572 (VCV001927572.2), dbSNP rs1045860223, ClinGen allele CA148140001.

ClinVar aggregate classification (germline): Uncertain significance (1 of 4 stars; one submission).

Conditions:
Joubert syndrome. Also called: CEREBELLOPARENCHYMAL DISORDER IV; JOUBERT-BOLTSHAUSER SYNDROME; Familial aplasia of the vermis. Identifiers: Orphanet 475, MedGen C5979921, MONDO:0018772.

Allele frequency attached by ClinVar (database versions not stated): TOPMed below 0.00001.

Submission:

Labcorp Genetics (formerly Invitae), Labcorp
Classification: Uncertain significance for Joubert syndrome. Last evaluated: 2022-01-28. Review status: criteria provided, single submitter. Criteria: Invitae Variant Classification Sherloc (09022015). Collection method: clinical testing. Allele origin: germline.
Comment: This sequence change replaces leucine, which is neutral and non-polar, with isoleucine, which is neutral and non-polar, at codon 453 of the AHI1 protein (p.Leu453Ile). This variant is not present in population databases (gnomAD no frequency). This variant has not been reported in the literature in individuals affected with AHI1-related conditions. Advanced modeling of protein sequence and biophysical properties (such as structural, functional, and spatial information, amino acid conservation, physicochemical variation, residue mobility, and thermodynamic stability) performed at Invitae indicates that this missense variant is not expected to disrupt AHI1 protein function. In summary, the available evidence is currently insufficient to determine the role of this variant in disease. Therefore, it has been classified as a Variant of Uncertain Significance.